The following is an entry in ClinVar:

NM_000514.4(GDNF):c.*1141C>A

Gene: GDNF (glial cell derived neurotrophic factor; minus strand). Cytogenetic location: 5p13.2.
Variant type: single nucleotide variant.
Coding change: c.*1141C>A on transcript NM_000514.4 (MANE Select); 1141 bases downstream of the stop codon, C replaced by A.
Molecular consequence: 3 prime UTR variant.
Genome position (GRCh38, 1-based): chr5:37,814,510, G>T on the plus strand (C>A on the coding strand, the complement: GDNF is on the minus strand). VCF-style: chr5-37814510-G-T. GRCh37 (hg19) VCF-style: chr5-37814612-G-T.
Other names: c.*1141C>A (NM_001190468.1, NM_001190469.1, NM_001278098.1 and 1 more transcripts).
Identifiers: ClinVar variation 353505 (VCV000353505.5), dbSNP rs2972929, ClinGen allele CA10620383.

ClinVar aggregate classification (germline): Benign (1 of 4 stars; one submission).

Conditions:
Hirschsprung disease, susceptibility to, 3. Identifiers: Orphanet 388, MedGen C3150974, MONDO:0013383, OMIM 613711.

Allele frequency attached by ClinVar (database versions not stated): gnomAD 0.02126; 1000 Genomes Project 0.02676; 1000 Genomes Project 30x 0.02842.

Submission:

Illumina Laboratory Services, Illumina
Classification: Benign for Hirschsprung disease, susceptibility to, 3. Last evaluated: 2018-01-12. Review status: criteria provided, single submitter. Criteria: ICSL Variant Classification Criteria 13 December 2019. Collection method: clinical testing. Allele origin: germline.
Comment: This variant was observed in the ICSL laboratory as part of a predisposition screen in an ostensibly healthy population. It had not been previously curated by ICSL or reported in the Human Gene Mutation Database (HGMD: prior to June 1st, 2018), and was therefore a candidate for classification through an automated scoring system. Utilizing variant allele frequency, disease prevalence and penetrance estimates, and inheritance mode, an automated score was calculated to assess if this variant is too frequent to cause the disease. Based on the score and internal cut-off values, a variant classified as benign is not then subjected to further curation. The score for this variant resulted in a classification of benign for this disease.